The following is an entry in ClinVar:

ClinVar aggregate classification (germline): Uncertain significance (1 of 4 stars; one submission).

Allele frequency attached by ClinVar (database versions not stated): gnomAD exomes below 0.00001; ExAC 0.00001; gnomAD 0.00001; TOPMed 0.00002.
gnomAD v4.1: 7 of 1,608,294 alleles (0.00044%); highest among the groups gnomAD compares: African/African-American, 0.0027%; no homozygotes.

Submission:

GeneDx
Classification: Uncertain significance. Last evaluated: 2024-05-28. Review status: criteria provided, single submitter. Criteria: GeneDx Variant Classification Process June 2021. Collection method: clinical testing. Allele origin: germline. Affected: yes.
Comment: In silico analysis supports a deleterious effect on splicing; Has not been previously published as pathogenic or benign to our knowledge

NM_001282531.3(ADNP):c.-5-4A>G

Gene: ADNP (activity dependent neuroprotector homeobox; minus strand). Cytogenetic location: 20q13.13.
Variant type: single nucleotide variant.
Coding change: c.-5-4A>G on transcript NM_001282531.3 (MANE Select); 4 bases into the intron before 5 bases upstream of the start codon, A replaced by G.
Molecular consequence: intron variant.
Genome position (GRCh38, 1-based): chr20:50,904,005, T>C on the plus strand (A>G on the coding strand, the complement: ADNP is on the minus strand). VCF-style: chr20-50904005-T-C. GRCh37 (hg19) VCF-style: chr20-49520542-T-C.
Other names: c.-5-4A>G (NM_181442.4, NM_001347511.2, NM_015339.5 and 1 more transcripts).
Identifiers: ClinVar variation 2574728 (VCV002574728.2), dbSNP rs776936910, ClinGen allele CA9908965.